The following is an entry in ClinVar:

NM_001089.3(ABCA3):c.1554C>G (p.Tyr518Ter)

Gene: ABCA3 (ATP binding cassette subfamily A member 3; minus strand). Cytogenetic location: 16p13.3.
Variant type: single nucleotide variant.
Coding change: c.1554C>G on transcript NM_001089.3 (MANE Select); coding-DNA position 1554, C replaced by G.
Protein change: p.Tyr518Ter; replaces tyrosine 518 with a stop codon.
Molecular consequence: nonsense.
Genome position (GRCh38, 1-based): chr16:2,300,062, G>C on the plus strand (C>G on the coding strand, the complement: ABCA3 is on the minus strand). VCF-style: chr16-2300062-G-C. GRCh37 (hg19) VCF-style: chr16-2350063-G-C.
Other names: short protein forms Y518*.
Identifiers: ClinVar variation 5014708 (VCV005014708.1).

ClinVar aggregate classification (germline): Pathogenic (1 of 4 stars; one submission).

Conditions:
Interstitial lung disease due to ABCA3 deficiency. Also called: PULMONARY ALVEOLAR PROTEINOSIS, CONGENITAL, 3. Identifiers: Orphanet 440402, MedGen C1970456, MONDO:0012582, OMIM 610921.

Submission:

Myriad Genetics, Inc.
Classification: Pathogenic for Interstitial lung disease due to ABCA3 deficiency. Last evaluated: 2025-07-12. Review status: criteria provided, single submitter. Criteria: Myriad Autosomal Dominant, Autosomal Recessive and X-Linked Classification Criteria (2023). Collection method: clinical testing. Allele origin: unknown.
Comment: NM_001089.2(ABCA3):c.1554C>G(Y518*) is expected to be pathogenic in the context of surfactant deficiency, ABCA3-related. This variant is predicted to lead to an abnormal or absent protein product due to the creation of a premature termination codon in ABCA3, a gene where loss-of-function variants are known to be pathogenic. Please note: this variant was assessed in the context of healthy population screening.